The following is an entry in ClinVar:

ClinVar aggregate classification (germline): Pathogenic. Review status: criteria provided, multiple submitters, no conflicts (2 of 4 stars). 3 submissions from 3 submitters: Pathogenic (3). Last evaluated 2025-07-07.

Conditions:
Hereditary cancer-predisposing syndrome. Also called: Hereditary Cancer Syndrome; Tumor predisposition; Neoplastic Syndromes, Hereditary; Hereditary neoplastic syndrome. Identifiers: Orphanet 140162, MedGen C0027672, MeSH D009386, MONDO:0015356.
Ataxia-telangiectasia syndrome (AT). Also called: ATAXIA-TELANGIECTASIA, FRESNO VARIANT; Ataxia-telangiectasia, complementation group E; Ataxia telangiectasia (A-T); Cerebello-oculocutaneous telangiectasia; Immunodeficiency with ataxia telangiectasia; LOUIS-BAR SYNDROME. Identifiers: Orphanet 100, MedGen C0004135, MONDO:0008840, OMIM 208900.
Familial cancer of breast. Also called: hereditary breast carcinoma; BREAST CANCER, FAMILIAL; Hereditary breast cancer. Identifiers: Orphanet 227535, MedGen C0346153, MONDO:0016419, OMIM 114480. Disease mechanism: loss of function.

Submissions (3):

Ambry Genetics
Classification: Pathogenic for Hereditary cancer-predisposing syndrome. Last evaluated: 2025-07-07. Review status: criteria provided, single submitter. Criteria: Ambry Variant Classification Scheme 2023. Collection method: clinical testing. Allele origin: germline.
Comment: The c.2613dupA pathogenic mutation, located in coding exon 16 of the ATM gene, results from a duplication of A at nucleotide position 2613, causing a translational frameshift with a predicted alternate stop codon (p.P872Tfs*12). This variant is considered to be rare based on population cohorts in the Genome Aggregation Database (gnomAD). This alteration is expected to result in loss of function by premature protein truncation or nonsense-mediated mRNA decay. As such, this alteration is interpreted as a disease-causing mutation.

Myriad Genetics, Inc.
Classification: Pathogenic for Familial cancer of breast. Last evaluated: 2024-01-18. Review status: criteria provided, single submitter. Criteria: Myriad Autosomal Dominant, Autosomal Recessive and X-Linked Classification Criteria (2023). Collection method: clinical testing. Allele origin: unknown.
Comment: This variant is considered pathogenic. This variant creates a frameshift predicted to result in premature protein truncation.

Labcorp Genetics (formerly Invitae), Labcorp
Classification: Pathogenic for Ataxia-telangiectasia syndrome. Last evaluated: 2023-03-09. Review status: criteria provided, single submitter. Criteria: Invitae Variant Classification Sherloc (09022015). Collection method: clinical testing. Allele origin: germline.
Comment: For these reasons, this variant has been classified as Pathogenic. ClinVar contains an entry for this variant (Variation ID: 653304). This variant has not been reported in the literature in individuals affected with ATM-related conditions. This variant is not present in population databases (gnomAD no frequency). This sequence change creates a premature translational stop signal (p.Pro872Thrfs*12) in the ATM gene. It is expected to result in an absent or disrupted protein product. Loss-of-function variants in ATM are known to be pathogenic (PMID: 23807571, 25614872).

Literature cited by the submitters: PubMed 23807571 (cited by Labcorp Genetics (formerly Invitae), Labcorp); PubMed 25614872 (cited by Labcorp Genetics (formerly Invitae), Labcorp).

NM_000051.4(ATM):c.2613dup (p.Pro872fs)

Gene: ATM (ATM serine/threonine kinase; plus strand). Cytogenetic location: 11q22.3.
Variant type: Duplication.
Coding change: c.2613dup on transcript NM_000051.4 (MANE Select); coding-DNA position 2613, one base duplicated (A; older notation c.2613dupA).
Protein change: p.Pro872fs; shifts the reading frame from proline 872.
Molecular consequence: frameshift variant.
Genome position (GRCh38, 1-based): chr11:108,267,317, A duplicated; the last of 2 consecutive A bases (chr11:108,267,316-108,267,317); duplicating either gives the same sequence. VCF-style (leftmost placement, unchanged base first): chr11-108267315-G-GA. GRCh37 (hg19) VCF-style: chr11-108138042-G-GA.
Other names: c.2613dupA (NM_000051.3); c.2613dup, p.Pro872fs (NM_001351834.2); short protein forms P872fs.
Identifiers: ClinVar variation 653304 (VCV000653304.12), dbSNP rs1591588646, ClinGen allele CA915948367.